The following is an entry in ClinVar:

NM_152325.3(TEX26):c.39C>T (p.Leu13=)

Gene: TEX26 (testis expressed 26; plus strand). Cytogenetic location: 13q12.3.
Variant type: single nucleotide variant.
Coding change: c.39C>T on transcript NM_152325.3 (MANE Select); coding-DNA position 39, C replaced by T.
Protein change: p.Leu13=; no amino-acid change (leucine 13 retained).
Molecular consequence: synonymous variant. On other transcripts: 5 prime UTR variant (4), non-coding transcript variant (1).
Genome position (GRCh38, 1-based): chr13:30,932,754, C>T. VCF-style: chr13-30932754-C-T. GRCh37 (hg19) VCF-style: chr13-31506891-C-T.
Other names: c.-548C>T (NM_001353388.2); c.-270C>T (NM_001353389.2); c.-104C>T (NM_001353390.2); c.-189C>T (NM_001353391.2).
Identifiers: ClinVar variation 2643713 (VCV002643713.24), dbSNP rs140143587, ClinGen allele CA6935192.

ClinVar aggregate classification (germline): Likely benign (1 of 4 stars; one submission).

Allele frequency attached by ClinVar (database versions not stated): gnomAD 0.00088; 1000 Genomes Project 0.00040; ExAC 0.00094; TOPMed 0.00108; gnomAD exomes 0.00121; 1000 Genomes Project 30x 0.00047; ESP Exome Variant Server 0.00077.
gnomAD v4.1: 1,913 of 1,613,958 alleles (0.12%); highest among the groups gnomAD compares: Admixed American, 0.15%; no homozygotes.

Submission:

CeGaT Center for Human Genetics Tuebingen
Classification: Likely benign. Last evaluated: 2023-03-01. Review status: criteria provided, single submitter. Criteria: CeGaT Center For Human Genetics Tuebingen Variant Classification Criteria Version 2. Collection method: clinical testing. Allele origin: germline. Affected: yes. Observed: 1 variant allele.
Comment: TEX26: BP4, BP7